The following is an entry in ClinVar:

ClinVar aggregate classification (germline): Uncertain significance (1 of 4 stars; one submission).

Conditions:
Brugada syndrome. Also called: Sudden unexplained nocturnal death syndrome; Sudden unexpected nocturnal death syndrome; Sudden Unexplained Death Syndrome; Sudden Unexplained Nocturnal Death Syndrome (SUNDS). Identifiers: Orphanet 130, MedGen C1142166, MONDO:0015263.

Submission:

Labcorp Genetics (formerly Invitae), Labcorp
Classification: Uncertain significance for Brugada syndrome. Last evaluated: 2025-07-08. Review status: criteria provided, single submitter. Criteria: Invitae Variant Classification Sherloc (09022015). Collection method: clinical testing. Allele origin: germline.
Comment: This sequence change replaces alanine, which is neutral and non-polar, with glycine, which is neutral and non-polar, at codon 59 of the SCN10A protein (p.Ala59Gly). This variant is not present in population databases (gnomAD no frequency). This variant has not been reported in the literature in individuals affected with SCN10A-related conditions. Invitae Evidence Modeling of protein sequence and biophysical properties (such as structural, functional, and spatial information, amino acid conservation, physicochemical variation, residue mobility, and thermodynamic stability) has been performed for this missense variant. However, the output from this modeling did not meet the statistical confidence thresholds required to predict the impact of this variant on SCN10A protein function. In summary, the available evidence is currently insufficient to determine the role of this variant in disease. Therefore, it has been classified as a Variant of Uncertain Significance.

NM_006514.4(SCN10A):c.176C>G (p.Ala59Gly)

Gene: SCN10A (sodium voltage-gated channel alpha subunit 10; minus strand). Cytogenetic location: 3p22.2.
Variant type: single nucleotide variant.
Coding change: c.176C>G on transcript NM_006514.4 (MANE Select); coding-DNA position 176, C replaced by G.
Protein change: p.Ala59Gly; replaces alanine 59 with glycine.
Molecular consequence: missense variant.
Genome position (GRCh38, 1-based): chr3:38,793,835, G>C on the plus strand (C>G on the coding strand, the complement: SCN10A is on the minus strand). VCF-style: chr3-38793835-G-C. GRCh37 (hg19) VCF-style: chr3-38835326-G-C.
Other names: c.176C>G, p.Ala59Gly (NM_001293306.2, NM_001293307.2); short protein forms A59G.
Identifiers: ClinVar variation 4740303 (VCV004740303.1).